The following is an entry in ClinVar:

ClinVar aggregate classification (germline): Uncertain significance (1 of 4 stars; one submission).

Conditions:
Kabuki syndrome. Also called: Kabuki make-up syndrome; NIIKAWA-KUROKI SYNDROME. Identifiers: Orphanet 2322, MedGen C0796004, MONDO:0016512.

Submission:

Labcorp Genetics (formerly Invitae), Labcorp
Classification: Uncertain significance for Kabuki syndrome. Last evaluated: 2024-05-15. Review status: criteria provided, single submitter. Criteria: Invitae Variant Classification Sherloc (09022015). Collection method: clinical testing. Allele origin: germline.
Comment: This sequence change replaces proline, which is neutral and non-polar, with leucine, which is neutral and non-polar, at codon 1691 of the KMT2D protein (p.Pro1691Leu). This variant is not present in population databases (gnomAD no frequency). This variant has not been reported in the literature in individuals affected with KMT2D-related conditions. ClinVar contains an entry for this variant (Variation ID: 2119709). Advanced modeling of protein sequence and biophysical properties (such as structural, functional, and spatial information, amino acid conservation, physicochemical variation, residue mobility, and thermodynamic stability) performed at Invitae indicates that this missense variant is expected to disrupt KMT2D protein function with a positive predictive value of 95%. In summary, the available evidence is currently insufficient to determine the role of this variant in disease. Therefore, it has been classified as a Variant of Uncertain Significance.

NM_003482.4(KMT2D):c.5072C>T (p.Pro1691Leu)

Gene: KMT2D (lysine methyltransferase 2D; minus strand). Cytogenetic location: 12q13.12.
Variant type: single nucleotide variant.
Coding change: c.5072C>T on transcript NM_003482.4 (MANE Select); coding-DNA position 5072, C replaced by T.
Protein change: p.Pro1691Leu; replaces proline 1691 with leucine.
Molecular consequence: missense variant.
Genome position (GRCh38, 1-based): chr12:49,044,414, G>A on the plus strand (C>T on the coding strand, the complement: KMT2D is on the minus strand). VCF-style: chr12-49044414-G-A. GRCh37 (hg19) VCF-style: chr12-49438197-G-A.
Other names: short protein forms P1691L.
Identifiers: ClinVar variation 2119709 (VCV002119709.4), dbSNP rs2120583202, ClinGen allele CA384637550.